The following is an entry in ClinVar:

ClinVar aggregate classification (germline): Uncertain significance. Review status: criteria provided, multiple submitters, no conflicts (2 of 4 stars). 2 submissions from 2 submitters: Uncertain significance (2). Last evaluated 2025-04-01.

Submissions (2):

ARUP Laboratories, Molecular Genetics and Genomics, ARUP Laboratories
Classification: Uncertain significance. Last evaluated: 2025-04-01. Review status: criteria provided, single submitter. Criteria: ARUP Molecular Germline Variant Investigation Process 2024. Collection method: clinical testing. Allele origin: germline.
Comment: The SPTB c.5639_5641del; p.Glu1880del variant, to our knowledge, is not reported in the medical literature or gene specific databases. This variant is also absent from the Genome Aggregation Database (v2.1.1), indicating it is not a common polymorphism. This variant deletes a single glutamate residue leaving the rest of the protein in-frame. Due to limited information, the clinical significance of this variant is uncertain at this time.

Revvity Omics, Revvity
Classification: Uncertain significance. Last evaluated: 2024-01-26. Review status: criteria provided, single submitter. Criteria: ACMG Guidelines, 2015. Collection method: clinical testing. Allele origin: germline.

NM_001355436.2(SPTB):c.5636AGG[1] (p.Glu1880del)

Gene: SPTB (spectrin beta, erythrocytic; minus strand). Cytogenetic location: 14q23.3.
Variant type: Microsatellite.
Coding change: c.5636AGG[1] on transcript NM_001355436.2 (MANE Select); one copy of the 3-base unit AGG starting at c.5636; the reference has two copies in a row; one copy, 3 bases deleted; also written c.5639_5641del.
Protein change: p.Glu1880del; deletes glutamic acid 1880.
Molecular consequence: inframe deletion.
Genome position (GRCh38, 1-based): chr14:64,771,042-64,771,044, CCT deleted on the plus strand (AGG on the coding strand, the reverse complement: SPTB is on the minus strand); deleting any 3 consecutive bases within chr14:64,771,042-64,771,047 gives the same sequence; the position shown is the placement nearest the transcript's 3' end. VCF-style (leftmost placement, unchanged base first): chr14-64771041-ACCT-A. GRCh37 (hg19) VCF-style: chr14-65237759-ACCT-A.
Other names: c.5636AGG[1], p.Glu1880del (NM_001024858.4, NM_001355437.2); c.5639_5641del (NM_001355436.2); short protein forms E1880del.
Identifiers: ClinVar variation 4080315 (VCV004080315.2).